The following is an entry in ClinVar:

ClinVar aggregate classification (germline): Likely benign. Review status: criteria provided, multiple submitters, no conflicts (2 of 4 stars). 2 submissions from 2 submitters: Likely benign (2). Last evaluated 2026-07-01.

Allele frequency attached by ClinVar (database versions not stated): gnomAD exomes 0.00012; gnomAD 0.00014; TOPMed 0.00014; 1000 Genomes Project 0.00060; 1000 Genomes Project 30x 0.00062.
gnomAD v4.1: 195 of 1,611,496 alleles (0.012%); highest among the groups gnomAD compares: East Asian, 0.076%; no homozygotes.

Submissions (2):

CeGaT Center for Human Genetics Tuebingen
Classification: Likely benign. Last evaluated: 2026-07-01. Review status: criteria provided, single submitter. Criteria: CeGaT Center For Human Genetics Tuebingen Variant Classification Criteria Version 2. Collection method: clinical testing. Allele origin: germline. Affected: yes. Observed: 2 variant alleles.
Comment: LAMB1: BP4, BP7

Labcorp Genetics (formerly Invitae), Labcorp
Classification: Likely benign. Last evaluated: 2024-09-10. Review status: criteria provided, single submitter. Criteria: Invitae Variant Classification Sherloc (09022015). Collection method: clinical testing. Allele origin: germline.

NM_002291.3(LAMB1):c.1848C>T (p.Tyr616=)

Gene: LAMB1 (laminin subunit beta 1; minus strand). Cytogenetic location: 7q31.1.
Variant type: single nucleotide variant.
Coding change: c.1848C>T on transcript NM_002291.3 (MANE Select); coding-DNA position 1848, C replaced by T.
Protein change: p.Tyr616=; no amino-acid change (tyrosine 616 retained).
Molecular consequence: synonymous variant.
Genome position (GRCh38, 1-based): chr7:107,962,914, G>A on the plus strand (C>T on the coding strand, the complement: LAMB1 is on the minus strand). VCF-style: chr7-107962914-G-A. GRCh37 (hg19) VCF-style: chr7-107603359-G-A.
Identifiers: ClinVar variation 792368 (VCV000792368.31), dbSNP rs569568253, ClinGen allele CA4435867.
Genomic context (GRCh38, chr7:107,962,914, plus strand): 5'-CTACTGATTCTCCCCTCCCTCCTCCACCAGTCCACTAAGTGGTTTCTTTACCTGTGGCTC[G>A]TAGCGAATTAGGATGTCGTACTCCATGGAATATGGTATGTTGTCAATGAAAAACTCCAAA-3'
Protein context (NP_002282.2, residues 606-626): YSMEYDILIR[Tyr616=]EPQLPDHWEK